The following is an entry in ClinVar:

ClinVar aggregate classification (germline): Conflicting classifications of pathogenicity. Review status: criteria provided, conflicting classifications (1 of 4 stars). 3 submissions from 3 submitters: Uncertain significance (1); Likely benign (1). 1 of the submissions does not count toward it. Last evaluated 2026-01-13.

Conditions:
ALOX12B-related disorder. Also called: ALOX12B-related condition.
Autosomal recessive congenital ichthyosis 2 (ARCI2). Identifiers: Orphanet 281122, Orphanet 79394, MedGen C3888093, MONDO:0009439, OMIM 242100.

Allele frequency attached by ClinVar (database versions not stated): TOPMed 0.00008; 1000 Genomes Project 30x 0.00016; 1000 Genomes Project 0.00020.
gnomAD v4.1: 47 of 1,614,248 alleles (0.0029%); highest among the groups gnomAD compares: South Asian, 0.037%; no homozygotes.

Submissions (3):

Labcorp Genetics (formerly Invitae), Labcorp
Classification: Likely benign. Last evaluated: 2026-01-13. Review status: criteria provided, single submitter. Criteria: Invitae Variant Classification Sherloc (09022015). Collection method: clinical testing. Allele origin: germline.

Illumina Laboratory Services, Illumina
Classification: Uncertain significance for Autosomal recessive congenital ichthyosis 2. Last evaluated: 2018-01-12. Review status: criteria provided, single submitter. Criteria: ICSL Variant Classification Criteria 13 December 2019. Collection method: clinical testing. Allele origin: germline.

PreventionGenetics, part of Exact Sciences
Classification: Likely benign for ALOX12B-related condition. Last evaluated: 2019-04-05. Review status: no assertion criteria provided. Collection method: clinical testing. Allele origin: germline. Not counted in ClinVar's aggregate classification.
Comment: This variant is classified as likely benign based on ACMG/AMP sequence variant interpretation guidelines (Richards et al. 2015 PMID: 25741868, with internal and published modifications).

NM_001139.3(ALOX12B):c.39C>T (p.Asp13=)

Gene: ALOX12B (arachidonate 12-lipoxygenase, 12R type; minus strand). Cytogenetic location: 17p13.1.
Variant type: single nucleotide variant.
Coding change: c.39C>T on transcript NM_001139.3 (MANE Select); coding-DNA position 39, C replaced by T.
Protein change: p.Asp13=; no amino-acid change (aspartic acid 13 retained).
Molecular consequence: synonymous variant.
Genome position (GRCh38, 1-based): chr17:8,087,404, G>A on the plus strand (C>T on the coding strand, the complement: ALOX12B is on the minus strand). VCF-style: chr17-8087404-G-A. GRCh37 (hg19) VCF-style: chr17-7990722-G-A.
Other names: c.39C>T, p.Asp13= (LRG_1264t1).
Identifiers: ClinVar variation 325931 (VCV000325931.11), dbSNP rs201251213, ClinGen allele CA8367819.
Genomic context (GRCh38, chr17:8,087,404, plus strand): 5'-GCTCTCTCCTTGTGTCCCCACAATGGTCAGTGAGATGGAGTCCCGTGTTCCCGACAAGAG[G>A]TCGGTGCCTGTGGCCACCCTGACTTTGTAGGTGGCCATGGCTGCTCTTCAGGAGGCAAGA-3'
Protein context (NP_001130.1, residues 3-23): TYKVRVATGT[Asp13=]LLSGTRDSIS